The following is an entry in ClinVar:

NM_002524.5(NRAS):c.34G>T (p.Gly12Cys)

Gene: NRAS (NRAS proto-oncogene, GTPase; minus strand). Cytogenetic location: 1p13.2.
Variant type: single nucleotide variant.
Coding change: c.34G>T on transcript NM_002524.5 (MANE Select); coding-DNA position 34, G replaced by T.
Protein change: p.Gly12Cys; replaces glycine 12 with cysteine.
Molecular consequence: missense variant.
Genome position (GRCh38, 1-based): chr1:114,716,127, C>A on the plus strand (G>T on the coding strand, the complement: NRAS is on the minus strand). VCF-style: chr1-114716127-C-A. GRCh37 (hg19) VCF-style: chr1-115258748-C-A.
Other names: p.G12C:GGT>TGT; c.34G>T (LRG_92t1, NM_002524.4); short protein forms G12C.
Identifiers: ClinVar variation 40468 (VCV000040468.8), dbSNP rs121913250, ClinGen allele CA297020.

ClinVar aggregate classification (germline): Pathogenic/Likely pathogenic. Review status: criteria provided, multiple submitters, no conflicts (2 of 4 stars). 4 submissions from 4 submitters: Pathogenic (2); Likely pathogenic (1). 1 of the submissions does not count toward it. Last evaluated 2026-08-13.
ClinVar aggregate classification (somatic clinical impact): Tier I - Strong (1 of 4 stars; one submission).
ClinVar aggregate classification (oncogenicity): Oncogenic. Review status: criteria provided, multiple submitters, no conflicts (2 of 4 stars). 2 submissions from 2 submitters. Last evaluated 2025-10-12.

Conditions:
NRAS-related disorder. Also called: NRAS-related condition.
Chronic myeloid leukemia. Also called: Chronic myelogenous leukemia, BCR-ABL1 positive; Chronic myelogenous leukemia. Identifiers: Orphanet 521, MedGen C0279543, MeSH D015464, MONDO:0011996, OMIM 608232, HP:0005506.
Embryonal rhabdomyosarcoma (ERMS). Also called: Botryoid rhabdomyosarcoma (type of ERMS); Spindle cell rhabdomyosarcomas (type of ERMS). Identifiers: Orphanet 99757, MedGen C0206656, MONDO:0009993, HP:0006743.
Neoplasm. Also called: Neoplasms; Neoplasm (disease); tumor. Identifiers: MedGen C0027651, MeSH D009369, MONDO:0005070, HP:0002664.
Acute myeloid leukemia (AML). Also called: Acute myeloid leukemia, adult; AML adult; Acute non-lymphocytic leukemia; Acute granulocytic leukemia; Leukemia, acute myeloid, somatic; Leukemia, acute myelogenous, somatic. Identifiers: Orphanet 519, MedGen C0023467, MeSH D015470, MONDO:0018874, OMIM 601626, HP:0004808. Disease mechanism: Constitutively activated FLT3.

Submissions (7):

PreventionGenetics, part of Exact Sciences
Classification: Likely pathogenic for NRAS-related condition. Last evaluated: 2026-08-13. Review status: criteria provided, single submitter. Criteria: ACMG Guidelines, 2015. Collection method: clinical testing. Allele origin: germline.
Comment: The NRAS c.34G>T variant is predicted to result in the amino acid substitution p.Gly12Cys. This variant has been reported in an individual with Noonan syndrome (Bertola et al. 2020. PubMed ID: 33128510) and has been reported as a somatic variant in various types of cancers (Vogelstein et al. 1990. PubMed ID: 2278970; Ohashi et al. 2013. PubMed ID: 23515407; Sharma et al. 2017. PubMed ID: 28900470). This variant has not been reported in a large population database (gnomAD), indicating it is rare. Several alternate missense changes impacting the same amino acid (p.Gly12Ser, p.Gly12Arg, p.Gly12Val, p.Gly12Asp) have been reported to have occurred de novo in individuals with RASopathies (see for example: Altmüller et al. 2017. PubMed ID: 28594414), and the p.Gly12 residue is considered a mutational hotspot by the ClinGen RASopathy Variant Curation Expert Panel (Table S1, Wilcox et al. 2025. PubMed ID: 40496714). Given the evidence, the c.34G>T (p.Gly12Cys) variant is interpreted as likely pathogenic.

Microbiology and Molecular Biology Lab, Lahore College for Women University
Classification: Oncogenic for Acute myeloid leukemia. Last evaluated: 2025-10-12. Review status: criteria provided, single submitter. Criteria: Assertion Criteria 1.0. Collection method: research. Allele origin: somatic. Affected: yes.
Comment: NRAS Transcript: NM_002524.5 cDNA Change: c.34C>A Protein Change: p.G12C Mutation Type: Missense synonymous mutation in exon 2, within the GTPase domain and responsible to encode P-loop Genomic Location (GRCh38): chr1:114,716,127C>A Oncogenicity: Oncogenic NRAS c.34C>A (p.G12C) is an oncogenic, somatic mutation which is previously reported in databases such as COSMIC and ClinVar. Approved NRAS-targeted therapies currently exist for this mutation which influence prognosis and inform eligibility for clinical trials targeting downstream pathways.

Center for Genomic Medicine, Rigshospitalet, Copenhagen University Hospital
Classification: Oncogenic for Neoplasm. Last evaluated: 2025-03-04. Review status: criteria provided, single submitter. Criteria: ClinGen/CGC/VICC Guidelines for Oncogenicity, 2022. Collection method: clinical testing. Allele origin: somatic. Affected: yes.

Institute for Genomic Medicine (IGM) Clinical Laboratory, Nationwide Children's Hospital
Classification: Tier I - Strong for Embryonal rhabdomyosarcoma. Assertion type: diagnostic. Clinical significance: supports diagnosis. Last evaluated: 2022-11-18. Review status: criteria provided, single submitter. Criteria: AMP/ASCO/CAP Guidelines, 2017. Collection method: clinical testing. Allele origin: somatic. Affected: yes.
Comment: Variant has Tier I (strong) clinical significance as a diagnostic inclusion criterion in embryonal rhabdomyosarcoma, based on the following evidence: 1) Documented in one or more cancer databases (e.g., St. Jude Pecan, COSMIC, CIViC, OncoKB). 2) Appears in one or more well-established professional guidelines (e.g., World Health Organization [WHO]; National Comprehensive Cancer Network [NCCN]) as providing diagnostic, prognostic, or therapeutic information. 3) Diagnostic for a specific tumor type/classification based on well-powered studies with expert-level consensus (Evidence Level B; PMIDs: 19681119, 24332040, 24436047, 25768946, 2680062, 34166060).

Blueprint Genetics
Classification: Pathogenic for NRAS-related disorders. Last evaluated: 2021-10-19. Review status: criteria provided, single submitter. Criteria: ACMG Guidelines, 2015. Collection method: clinical testing. Allele origin: germline. Affected: yes. Observed: 3 variant alleles.

GeneDx
Classification: Pathogenic. Last evaluated: 2012-06-02. Review status: criteria provided, single submitter. Criteria: GeneDx Variant Classification (06012015). Collection method: clinical testing. Allele origin: germline. Affected: yes.
Comment: This variant is denoted as p.Gly12Cys (GGT>TGT): c.34 G>T in exon 2 of NRAS. The G12C missense mutation has not be reported as a benign polymorphism or as a disease-causing mutation, to our knowledge. The G12C missense change is a non-conservative amino acid substitution with a non-polar residue (Gly) being replaced by a polar residue (Cys). The position at which this substitution occurs is highly conserved in the protein and the gain of a Cysteine residue may affect disulfide bond formation in the protein. A different missense mutation this codon (G12V) has been reported previously as a somatic mutation in association with several different types of cancer (Catalogue of Somatic Mutations in Cancer; Cirstea et al., 2010), primarily in haematopoietic and lymphoid tissues. Another missense mutation at a neighboring codon (G13D) has been reported as a germline mutation (Filippi et al., 2009; Oliviera et al., 2007). In Filippi et al., the patient with the G13D mutation was described as having dysmorphic features (including macrocephaly, bilateral epicanthal folds and cafe-au-lait spots) in addition to clinical and hematological features consistent with a diagnosis of juvenile myelomonocytic leukemia (JMML) (Filippi et al., 2009). The presence of the G12C mutation is consistent with a diagnosis of an NRAS-related disorder and the reported diagnosis of JMML. The variant is found in NOONAN panel(s).

Druker Lab, Oregon Health and Sciences University
Classification: Pathogenic for Chronic myeloid leukemia. Last evaluated: 2022-10-10. Review status: no assertion criteria provided. Collection method: clinical testing. Allele origin: somatic. Affected: yes. Not counted in ClinVar's aggregate classification.

Literature cited by the submitters: PubMed 26037647 (cited by Center for Genomic Medicine, Rigshospitalet, Copenhagen University Hospital); PubMed 6092966 (cited by Center for Genomic Medicine, Rigshospitalet, Copenhagen University Hospital); PubMed 19681119 (cited by Institute for Genomic Medicine (IGM) Clinical Laboratory, Nationwide Children's Hospital); PubMed 24332040 (cited by Institute for Genomic Medicine (IGM) Clinical Laboratory, Nationwide Children's Hospital); PubMed 24436047 (cited by Institute for Genomic Medicine (IGM) Clinical Laboratory, Nationwide Children's Hospital); PubMed 25768946 (cited by Institute for Genomic Medicine (IGM) Clinical Laboratory, Nationwide Children's Hospital); PubMed 2680062 (cited by Institute for Genomic Medicine (IGM) Clinical Laboratory, Nationwide Children's Hospital); PubMed 34166060 (cited by Institute for Genomic Medicine (IGM) Clinical Laboratory, Nationwide Children's Hospital).